The following is an entry in ClinVar:

ClinVar aggregate classification (germline): Likely pathogenic. Review status: criteria provided, single submitter (1 of 4 stars). 2 submissions from 2 submitters: Likely pathogenic (1). 1 of the submissions does not count toward it. Last evaluated 2024-02-20.

Conditions:
Glutaric aciduria, type 1. Also called: Glutaricacidemia Type 1; Glutaryl-CoA dehydrogenase deficiency; Glutaric acidemia type I; Glutaricaciduria, type I; Glutaric Acidemia Type 1; GA I. Identifiers: Orphanet 25, MedGen C0268595, MONDO:0009281, OMIM 231670.

Allele frequency attached by ClinVar (database versions not stated): TOPMed 0.00001.
gnomAD v4.1: 13 of 1,612,232 alleles (0.00081%); highest among the groups gnomAD compares: African/African-American, 0.0054%; no homozygotes.

Submissions (2):

Labcorp Genetics (formerly Invitae), Labcorp
Classification: Likely pathogenic for Glutaric aciduria, type 1. Last evaluated: 2024-02-20. Review status: criteria provided, single submitter. Criteria: Invitae Variant Classification Sherloc (09022015). Collection method: clinical testing. Allele origin: germline.
Comment: This sequence change replaces arginine, which is basic and polar, with glutamine, which is neutral and polar, at codon 227 of the GCDH protein (p.Arg227Gln). This variant is present in population databases (rs121434373, gnomAD 0.02%). This variant has not been reported in the literature in individuals affected with GCDH-related conditions. ClinVar contains an entry for this variant (Variation ID: 951653). Advanced modeling of protein sequence and biophysical properties (such as structural, functional, and spatial information, amino acid conservation, physicochemical variation, residue mobility, and thermodynamic stability) performed at Invitae indicates that this missense variant is not expected to disrupt GCDH protein function with a negative predictive value of 80%. This variant disrupts the p.Arg227 amino acid residue in GCDH. Other variant(s) that disrupt this residue have been determined to be pathogenic (PMID: 9266361, 10066389, 10960496, 11073722, 22728054, 23395213, 28438223). This suggests that this residue is clinically significant, and that variants that disrupt this residue are likely to be disease-causing. In summary, the currently available evidence indicates that the variant is pathogenic, but additional data are needed to prove that conclusively. Therefore, this variant has been classified as Likely Pathogenic.

Natera, Inc.
Classification: Uncertain significance for Glutaric acidemia type 1. Last evaluated: 2020-08-26. Review status: no assertion criteria provided. Collection method: clinical testing. Allele origin: germline. Not counted in ClinVar's aggregate classification.

Literature cited by the submitters: PubMed 9266361 (cited by Labcorp Genetics (formerly Invitae), Labcorp); PubMed 10066389 (cited by Labcorp Genetics (formerly Invitae), Labcorp); PubMed 10960496 (cited by Labcorp Genetics (formerly Invitae), Labcorp); PubMed 11073722 (cited by Labcorp Genetics (formerly Invitae), Labcorp); PubMed 22728054 (cited by Labcorp Genetics (formerly Invitae), Labcorp); PubMed 23395213 (cited by Labcorp Genetics (formerly Invitae), Labcorp); PubMed 28438223 (cited by Labcorp Genetics (formerly Invitae), Labcorp).

NM_000159.4(GCDH):c.680G>A (p.Arg227Gln)

Gene: GCDH (glutaryl-CoA dehydrogenase; plus strand). Cytogenetic location: 19p13.13.
Variant type: single nucleotide variant.
Coding change: c.680G>A on transcript NM_000159.4 (MANE Select); coding-DNA position 680, G replaced by A.
Protein change: p.Arg227Gln; replaces arginine 227 with glutamine.
Molecular consequence: missense variant. On other transcripts: non-coding transcript variant (2).
Genome position (GRCh38, 1-based): chr19:12,896,249, G>A. VCF-style: chr19-12896249-G-A. GRCh37 (hg19) VCF-style: chr19-13007063-G-A.
Other names: c.680G>A, p.Arg227Gln (NM_013976.5); short protein forms R227Q.
Identifiers: ClinVar variation 951653 (VCV000951653.13), dbSNP rs121434373, ClinGen allele CA9234463.